The following is an entry in ClinVar:

NM_000179.3(MSH6):c.624G>A (p.Met208Ile)

Gene: MSH6 (mutS homolog 6; plus strand). Cytogenetic location: 2p16.3.
Variant type: single nucleotide variant.
Coding change: c.624G>A on transcript NM_000179.3 (MANE Select); coding-DNA position 624, G replaced by A.
Protein change: p.Met208Ile; replaces methionine 208 with isoleucine.
Molecular consequence: missense variant. On other transcripts: 5 prime UTR variant (1), intron variant (2).
Genome position (GRCh38, 1-based): chr2:47,796,060, G>A. VCF-style: chr2-47796060-G-A. GRCh37 (hg19) VCF-style: chr2-48023199-G-A.
Other names: c.-279G>A (NM_001281494.2); c.-279-2551G>A (NM_001281493.2); c.238-2551G>A (NM_001281492.2); short protein forms M208I.
Identifiers: ClinVar variation 410401 (VCV000410401.15), dbSNP rs1060502878, ClinGen allele CA16611104.

ClinVar aggregate classification (germline): Uncertain significance. Review status: criteria provided, multiple submitters, no conflicts (2 of 4 stars). 4 submissions from 4 submitters: Uncertain significance (4). Last evaluated 2025-06-25.

Conditions:
Hereditary cancer-predisposing syndrome. Also called: Tumor predisposition; Hereditary Cancer Syndrome; Hereditary neoplastic syndrome; Neoplastic Syndromes, Hereditary. Identifiers: Orphanet 140162, MedGen C0027672, MeSH D009386, MONDO:0015356.
Hereditary nonpolyposis colorectal neoplasms. Identifiers: MedGen C0009405, MeSH D003123.

Allele frequency attached by ClinVar (database versions not stated): gnomAD exomes below 0.00001; TOPMed below 0.00001; gnomAD 0.00001.
gnomAD v4.1: 3 of 1,614,000 alleles (0.00019%); highest among the groups gnomAD compares: African/African-American, 0.0013%; no homozygotes.

Submissions (4):

Labcorp Genetics (formerly Invitae), Labcorp
Classification: Uncertain significance for Hereditary nonpolyposis colorectal neoplasms. Last evaluated: 2025-06-25. Review status: criteria provided, single submitter. Criteria: Invitae Variant Classification Sherloc (09022015). Collection method: clinical testing. Allele origin: germline.
Comment: This sequence change replaces methionine, which is neutral and non-polar, with isoleucine, which is neutral and non-polar, at codon 208 of the MSH6 protein (p.Met208Ile). This variant is not present in population databases (gnomAD no frequency). This variant has not been reported in the literature in individuals affected with MSH6-related conditions. ClinVar contains an entry for this variant (Variation ID: 410401). Invitae Evidence Modeling of protein sequence and biophysical properties (such as structural, functional, and spatial information, amino acid conservation, physicochemical variation, residue mobility, and thermodynamic stability) indicates that this missense variant is not expected to disrupt MSH6 protein function with a negative predictive value of 95%. In summary, the available evidence is currently insufficient to determine the role of this variant in disease. Therefore, it has been classified as a Variant of Uncertain Significance.

Ambry Genetics
Classification: Uncertain significance for Hereditary cancer-predisposing syndrome. Last evaluated: 2024-10-13. Review status: criteria provided, single submitter. Criteria: Ambry Variant Classification Scheme 2023. Collection method: clinical testing. Allele origin: germline.
Comment: The p.M208I variant (also known as c.624G>A), located in coding exon 3 of the MSH6 gene, results from a G to A substitution at nucleotide position 624. The methionine at codon 208 is replaced by isoleucine, an amino acid with highly similar properties. This amino acid position is not well conserved in available vertebrate species. In addition, this alteration is predicted to be tolerated by in silico analysis. Since supporting evidence is limited at this time, the clinical significance of this alteration remains unclear.

Color Diagnostics, LLC DBA Color Health
Classification: Uncertain significance for Hereditary cancer-predisposing syndrome. Last evaluated: 2024-08-26. Review status: criteria provided, single submitter. Criteria: ACMG Guidelines, 2015. Collection method: clinical testing. Allele origin: germline.
Comment: This missense variant replaces methionine with isoleucine at codon 208 of the MSH6 protein. Computational prediction suggests that this variant may not impact protein structure and function (internally defined REVEL score threshold <= 0.5, PMID: 27666373). To our knowledge, functional studies have not been reported for this variant. This variant has not been reported in individuals affected with MSH6-related disorders in the literature. This variant has not been identified in the general population by the Genome Aggregation Database (gnomAD). The available evidence is insufficient to determine the role of this variant in disease conclusively. Therefore, this variant is classified as a Variant of Uncertain Significance.

Sema4
Classification: Uncertain significance for Hereditary cancer-predisposing syndrome. Last evaluated: 2022-02-10. Review status: criteria provided, single submitter. Criteria: Sema4 Curation Guidelines. Collection method: curation. Allele origin: germline.
Comment: To the best of our knowledge, the MSH6 c.624G>A (p.M208I) variant has not been reported in individuals with MSH6-related disease. This variant is not reported in the population database Genome Aggregation Database (PMID: 32461654). The variant has been reported in ClinVar (Variation ID: 410401). Functional studies have not been performed, and in silico predictions of the variant's effect on protein function are inconclusive. The evidence is insufficient to meet ACMG/AMP criteria for classifying the variant as benign or pathogenic. Thus, the clinical significance of this variant is currently uncertain.